The following is an entry in ClinVar:

ClinVar aggregate classification (germline): Conflicting classifications of pathogenicity. Review status: criteria provided, conflicting classifications (1 of 4 stars). 5 submissions from 5 submitters: Uncertain significance (1); Likely benign (3). 1 of the submissions does not count toward it. Last evaluated 2026-01-22.

Conditions:
MTR-related disorder. Also called: MTR-related condition.
Methylcobalamin deficiency type cblG (HMAG). Also called: Functional methionine synthase deficiency type cblG; HOMOCYSTINURIA-MEGALOBLASTIC ANEMIA DUE TO DEFECT IN COBALAMIN METABOLISM, cblG COMPLEMENTATION TYPE; HOMOCYSTINURIA-MEGALOBLASTIC ANEMIA, cblG COMPLEMENTATION TYPE; HOMOCYSTINURIA-MEGALOBLASTIC ANEMIA, cblG TYPE. Identifiers: Orphanet 2170, Orphanet 622, MedGen C1855128, MONDO:0009609, OMIM 250940.
Disorders of Intracellular Cobalamin Metabolism. Identifiers: MedGen CN043592.

Allele frequency attached by ClinVar (database versions not stated): TOPMed 0.00003; gnomAD exomes 0.00004 and 0.00008; ExAC 0.00005; 1000 Genomes Project 30x 0.00016; 1000 Genomes Project 0.00020.
gnomAD v4.1: 64 of 1,614,118 alleles (0.004%); highest among the groups gnomAD compares: East Asian, 0.033%; no homozygotes.

Submissions (5):

Labcorp Genetics (formerly Invitae), Labcorp
Classification: Likely benign for Methylcobalamin deficiency type cblG. Last evaluated: 2026-01-22. Review status: criteria provided, single submitter. Criteria: Invitae Variant Classification Sherloc (09022015). Collection method: clinical testing. Allele origin: germline.

Blueprint Genetics
Classification: Likely benign. Last evaluated: 2024-11-14. Review status: criteria provided, single submitter. Criteria: ACMG Guidelines, 2015. Collection method: clinical testing. Allele origin: germline.

GeneDx
Classification: Likely benign. Last evaluated: 2018-01-16. Review status: criteria provided, single submitter. Criteria: GeneDx Variant Classification (06012015). Collection method: clinical testing. Allele origin: germline. Affected: yes.
Comment: This variant is considered likely benign or benign based on one or more of the following criteria: it is a conservative change, it occurs at a poorly conserved position in the protein, it is predicted to be benign by multiple in silico algorithms, and/or has population frequency not consistent with disease.

Illumina Laboratory Services, Illumina
Classification: Uncertain significance for Disorders of Intracellular Cobalamin Metabolism. Last evaluated: 2018-01-12. Review status: criteria provided, single submitter. Criteria: ICSL Variant Classification Criteria 13 December 2019. Collection method: clinical testing. Allele origin: germline.

PreventionGenetics, part of Exact Sciences
Classification: Likely benign for MTR-related condition. Last evaluated: 2022-07-28. Review status: no assertion criteria provided. Collection method: clinical testing. Allele origin: germline. Not counted in ClinVar's aggregate classification.
Comment: This variant is classified as likely benign based on ACMG/AMP sequence variant interpretation guidelines (Richards et al. 2015 PMID: 25741868, with internal and published modifications).

NM_000254.3(MTR):c.3126C>T (p.Asp1042=)

Gene: MTR (5-methyltetrahydrofolate-homocysteine methyltransferase; plus strand). Cytogenetic location: 1q43.
Variant type: single nucleotide variant.
Coding change: c.3126C>T on transcript NM_000254.3 (MANE Select); coding-DNA position 3126, C replaced by T.
Protein change: p.Asp1042=; no amino-acid change (aspartic acid 1042 retained).
Molecular consequence: synonymous variant.
Genome position (GRCh38, 1-based): chr1:236,891,251, C>T. VCF-style: chr1-236891251-C-T. GRCh37 (hg19) VCF-style: chr1-237054551-C-T.
Other names: c.2973C>T, p.Asp991= (NM_001291939.1); c.1905C>T, p.Asp635= (NM_001291940.2).
Identifiers: ClinVar variation 517952 (VCV000517952.16), dbSNP rs529430607, ClinGen allele CA1474611.
Genomic context (GRCh38, chr1:236,891,251, plus strand): 5'-TCAAAAGAAACTCCGGGCCCGGGGTGTGGTTGGGTTCTGGCCAGCACAGAGTATCCAAGA[C>T]GACATTCACCTGTACGCAGAGGCTGCTGTGCCCCAGGCTGCAGAGCCCATAGCCACCTTC-3'
Protein context (NP_000245.2, residues 1032-1052): VGFWPAQSIQ[Asp1042=]DIHLYAEAAV